The following is an entry in ClinVar:

ClinVar aggregate classification (germline): Uncertain significance. Review status: criteria provided, multiple submitters, no conflicts (2 of 4 stars). 5 submissions from 5 submitters: Uncertain significance (5). Last evaluated 2025-04-13.

Conditions:
Hereditary nonpolyposis colorectal neoplasms. Identifiers: MedGen C0009405, MeSH D003123.
Hereditary cancer-predisposing syndrome. Also called: Hereditary neoplastic syndrome; Hereditary Cancer Syndrome; Neoplastic Syndromes, Hereditary; Tumor predisposition. Identifiers: Orphanet 140162, MedGen C0027672, MeSH D009386, MONDO:0015356.

Submissions (5):

Labcorp Genetics (formerly Invitae), Labcorp
Classification: Uncertain significance for Hereditary nonpolyposis colorectal neoplasms. Last evaluated: 2025-04-13. Review status: criteria provided, single submitter. Criteria: Invitae Variant Classification Sherloc (09022015). Collection method: clinical testing. Allele origin: germline.
Comment: This sequence change replaces histidine, which is basic and polar, with proline, which is neutral and non-polar, at codon 189 of the PMS2 protein (p.His189Pro). This variant is not present in population databases (gnomAD no frequency). This variant has not been reported in the literature in individuals affected with PMS2-related conditions. ClinVar contains an entry for this variant (Variation ID: 234516). Invitae Evidence Modeling of protein sequence and biophysical properties (such as structural, functional, and spatial information, amino acid conservation, physicochemical variation, residue mobility, and thermodynamic stability) indicates that this missense variant is expected to disrupt PMS2 protein function with a positive predictive value of 80%. In summary, the available evidence is currently insufficient to determine the role of this variant in disease. Therefore, it has been classified as a Variant of Uncertain Significance.

Ambry Genetics
Classification: Uncertain significance for Hereditary cancer-predisposing syndrome. Last evaluated: 2024-02-15. Review status: criteria provided, single submitter. Criteria: Ambry Variant Classification Scheme 2023. Collection method: clinical testing. Allele origin: germline.
Comment: The p.H189P variant (also known as c.566A>C), located in coding exon 6 of the PMS2 gene, results from an A to C substitution at nucleotide position 566. The histidine at codon 189 is replaced by proline, an amino acid with similar properties. This amino acid position is poorly conserved in available vertebrate species. In addition, the in silico prediction for this alteration is inconclusive. Based on the available evidence, the clinical significance of this alteration remains unclear.

Color Diagnostics, LLC DBA Color Health
Classification: Uncertain significance for Hereditary cancer-predisposing syndrome. Last evaluated: 2021-01-27. Review status: criteria provided, single submitter. Criteria: ACMG Guidelines, 2015. Collection method: clinical testing. Allele origin: germline.
Comment: This missense variant replaces histidine with proline at codon 189 of the PMS2 protein. Computational prediction is inconclusive regarding the impact of this variant on protein structure and function (internally defined REVEL score threshold 0.5 < inconclusive < 0.7, PMID: 27666373). To our knowledge, functional studies have not been reported for this variant. This variant has not been reported in individuals affected with hereditary cancer in the literature. This variant has not been identified in the general population by the Genome Aggregation Database (gnomAD). The available evidence is insufficient to determine the role of this variant in disease conclusively. Therefore, this variant is classified as a Variant of Uncertain Significance.

Women's Health and Genetics/Laboratory Corporation of America, LabCorp
Classification: Uncertain significance. Last evaluated: 2019-06-20. Review status: criteria provided, single submitter. Criteria: LabCorp Variant Classification Summary - May 2015. Collection method: clinical testing. Allele origin: germline.
Comment: Variant summary: PMS2 c.566A>C (p.His189Pro) results in a non-conservative amino acid change located in the DNA mismatch repair protein family, N-terminal (IPR002099) of the encoded protein sequence. Four of five in-silico tools predict a damaging effect of the variant on protein function. The variant was absent in 251480 control chromosomes (gnomAD). The available data on variant occurrences in the general population are insufficient to allow any conclusion about variant significance. To our knowledge, no occurrence of c.566A>C in individuals affected with Lynch Syndrome and no experimental evidence demonstrating its impact on protein function have been reported. A ClinVar submission from a clinical diagnostic laboratories (evaluation after 2014) cites the variant as uncertain significance. Based on the evidence outlined above, the variant was classified as uncertain significance until additional information becomes available.

GeneDx
Classification: Uncertain significance. Last evaluated: 2016-02-22. Review status: criteria provided, single submitter. Criteria: GeneDx Variant Classification (06012015). Collection method: clinical testing. Allele origin: germline. Affected: yes.
Comment: This variant is denoted PMS2 c.566A>C at the cDNA level, p.His189Pro (H189P) at the protein level, and results in the change of a Histidine to a Proline (CAT>CCT). This variant has not, to our knowledge, been published in the literature as pathogenic or benign. PMS2 His189Pro was not observed in approximately 6,500 individuals of European and African American ancestry in the NHLBI Exome Sequencing Project, indicating it is not a common benign variant in these populations. Since Histidine and Proline differ in polarity, charge, size or other properties, this is considered a non-conservative amino acid substitution. PMS2 His189Pro occurs at a position that is not conserved and is located in the ATPase domain (Fukui 2011). In silico analyses predict that this variant is probably damaging to protein structure and function. Based on currently available information, it is unclear whether PMS2 His189Pro is pathogenic or benign. We consider it to be a variant of uncertain significance.

NM_000535.7(PMS2):c.566A>C (p.His189Pro)

Gene: PMS2 (PMS1 homolog 2, mismatch repair system component; minus strand). Cytogenetic location: 7p22.1.
Variant type: single nucleotide variant.
Coding change: c.566A>C on transcript NM_000535.7 (MANE Select); coding-DNA position 566, A replaced by C.
Protein change: p.His189Pro; replaces histidine 189 with proline.
Molecular consequence: missense variant. On other transcripts: non-coding transcript variant (1), intron variant (3).
Genome position (GRCh38, 1-based): chr7:5,999,247, T>G on the plus strand (A>C on the coding strand, the complement: PMS2 is on the minus strand). VCF-style: chr7-5999247-T-G. GRCh37 (hg19) VCF-style: chr7-6038878-T-G.
Other names: c.161A>C, p.His54Pro (NM_001322003.2, NM_001322004.2, NM_001322005.2 and 2 more transcripts); c.566A>C, p.His189Pro (NM_001322006.2, NM_001322014.2); c.248A>C, p.His83Pro (NM_001322007.2, NM_001322008.2); c.257A>C, p.His86Pro (NM_001322015.2); c.133-1824A>C (NM_001322013.2); c.-347-21A>C (NM_001322012.2, NM_001322011.2); short protein forms H189P, H54P, H83P, H86P.
Identifiers: ClinVar variation 234516 (VCV000234516.15), dbSNP rs876660330, ClinGen allele CA10577353.
Genomic context (GRCh38, chr7:5,999,247, plus strand): 5'-CCTTGTCCAAGCTGATTGGTGCAACTTACACGGATGCCTGCTGAAATGATACAGTATGCA[T>G]GTAAGACCTGGACCATTTTGGCATACTCCTGTTTAAAAAACACAAACACAATATTCTACA-3'
Protein context (NP_000526.2, residues 179-199): KEYAKMVQVL[His189Pro]AYCIISAGIR